The following is an entry in ClinVar:

ClinVar aggregate classification (germline): Benign/Likely benign. Review status: criteria provided, multiple submitters, no conflicts (2 of 4 stars). 3 submissions from 3 submitters: Benign (2); Likely benign (1). Last evaluated 2021-05-11.

Conditions:
Cortical dysplasia-focal epilepsy syndrome (PTHSL1). Also called: Pitt-Hopkins-like syndrome 1. Identifiers: Orphanet 163681, Orphanet 221150, MedGen C2750246, MONDO:0012400, OMIM 610042.

Allele frequency attached by ClinVar (database versions not stated): 1000 Genomes Project 0.02516; gnomAD 0.02569 and 0.02775; 1000 Genomes Project 30x 0.02733; TOPMed 0.02823.

Submissions (3):

GeneDx
Classification: Benign. Last evaluated: 2021-05-11. Review status: criteria provided, single submitter. Criteria: GeneDx Variant Classification Process June 2021. Collection method: clinical testing. Allele origin: germline. Affected: yes.

Illumina Laboratory Services, Illumina
Classification: Benign for Cortical dysplasia-focal epilepsy syndrome. Last evaluated: 2018-01-12. Review status: criteria provided, single submitter. Criteria: ICSL Variant Classification Criteria 13 December 2019. Collection method: clinical testing. Allele origin: germline.
Comment: This variant was observed in the ICSL laboratory as part of a predisposition screen in an ostensibly healthy population. It had not been previously curated by ICSL or reported in the Human Gene Mutation Database (HGMD: prior to June 1st, 2018), and was therefore a candidate for classification through an automated scoring system. Utilizing variant allele frequency, disease prevalence and penetrance estimates, and inheritance mode, an automated score was calculated to assess if this variant is too frequent to cause the disease. Based on the score and internal cut-off values, a variant classified as benign is not then subjected to further curation. The score for this variant resulted in a classification of benign for this disease.

Breakthrough Genomics
Classification: Likely benign. Review status: criteria provided, single submitter. Criteria: ACMG Guidelines, 2015. Collection method: not provided. Allele origin: germline. Inheritance: Autosomal recessive inheritance. Affected: yes.

NM_014141.6(CNTNAP2):c.*3392C>T

Gene: CNTNAP2 (contactin associated protein 2; plus strand). Cytogenetic location: 7q36.1.
Variant type: single nucleotide variant.
Coding change: c.*3392C>T on transcript NM_014141.6 (MANE Select); 3392 bases downstream of the stop codon, C replaced by T.
Molecular consequence: 3 prime UTR variant.
Genome position (GRCh38, 1-based): chr7:148,419,008, C>T. VCF-style: chr7-148419008-C-T. GRCh37 (hg19) VCF-style: chr7-148116100-C-T.
Identifiers: ClinVar variation 359245 (VCV000359245.8), dbSNP rs115420302, ClinGen allele CA10625453.